The following is an entry in ClinVar:

ClinVar aggregate classification (germline): Pathogenic (1 of 4 stars; one submission).

Submission:

GeneDx
Classification: Pathogenic. Last evaluated: 2017-12-12. Review status: criteria provided, single submitter. Criteria: GeneDx Variant Classification (06012015). Collection method: clinical testing. Allele origin: germline. Affected: yes.
Comment: Although the c.297delT pathogenic variant in the RASA1 gene has not been reported to our knowledge, this variant causes a shift in reading frame starting at codon alanine 100, changing it to a leucine, and creating a premature stop codon at position 74 of the new reading frame, denoted p.Ala100LeufsX74. This pathogenic variant is expected to result in either an abnormal, truncated protein product or loss of protein from this allele through nonsense-mediated mRNA decay. Other frameshift variants in the RASA1 gene have been reported in Human Gene Mutation Database in association with RASA1-related disorders (Stenson et al., 2014), indicating that loss of function is a mechanism of disease for this gene. Furthermore, the c.297delT variant has not been observed in large population cohorts (Lek et al., 2016). In summary, c.297delT in the RASA1 gene is interpreted as a pathogenic variant.

NM_002890.3(RASA1):c.297del (p.Ala100fs)

Gene: RASA1 (RAS p21 protein activator 1; plus strand). Cytogenetic location: 5q14.3.
Variant type: Deletion.
Coding change: c.297del on transcript NM_002890.3 (MANE Select); coding-DNA position 297, one base deleted (T; older notation c.297delT).
Protein change: p.Ala100fs; shifts the reading frame from alanine 100.
Molecular consequence: frameshift variant.
Genome position (GRCh38, 1-based): chr5:87,268,748, T deleted. VCF-style (leftmost placement, unchanged base first): chr5-87268747-CT-C. GRCh37 (hg19) VCF-style: chr5-86564564-CT-C.
Other names: short protein forms A100fs.
Identifiers: ClinVar variation 452663 (VCV000452663.2), dbSNP rs1554038827, ClinGen allele CA658657455.